The following is an entry in ClinVar:

NM_005422.4(TECTA):c.2967C>A (p.His989Gln)

Genes: TBCEL-TECTA (TBCEL-TECTA readthrough; plus strand), TECTA (tectorin alpha; plus strand). Cytogenetic location: 11q23.3.
Variant type: single nucleotide variant.
Coding change: c.2967C>A on transcript NM_005422.4 (MANE Select); coding-DNA position 2967, C replaced by A.
Protein change: p.His989Gln; replaces histidine 989 with glutamine.
Molecular consequence: missense variant.
Genome position (GRCh38, 1-based): chr11:121,137,446, C>A. VCF-style: chr11-121137446-C-A. GRCh37 (hg19) VCF-style: chr11-121008155-C-A.
Other names: c.3924C>A, p.His1308Gln (NM_001378761.1); short protein forms H989Q, H1308Q.
Identifiers: ClinVar variation 505413 (VCV000505413.16), dbSNP rs200821009, ClinGen allele CA6327130.

ClinVar aggregate classification (germline): Conflicting classifications of pathogenicity. Review status: criteria provided, conflicting classifications (1 of 4 stars). 3 submissions from 3 submitters: Uncertain significance (2); Likely benign (1). Last evaluated 2024-04-26.

Allele frequency attached by ClinVar (database versions not stated): gnomAD exomes 0.00005 and 0.00015; gnomAD 0.00007 and 0.00010; 1000 Genomes Project 0.00060; TOPMed 0.00006; 1000 Genomes Project 30x 0.00062; ExAC 0.00014.
gnomAD v4.1: 88 of 1,613,978 alleles (0.0055%); highest among the groups gnomAD compares: East Asian, 0.18%; 1 homozygote.

Submissions (3):

GeneDx
Classification: Uncertain significance. Last evaluated: 2024-04-26. Review status: criteria provided, single submitter. Criteria: GeneDx Variant Classification Process June 2021. Collection method: clinical testing. Allele origin: germline. Affected: yes.
Comment: Identified in patients with sensorineural hearing loss in published literature, however, the hearing loss may have been due to a variant in a different gene in all cases (PMID: 24655070, 33924653); In silico analysis supports that this missense variant has a deleterious effect on protein structure/function; This variant is associated with the following publications: (PMID: 24655070, 33924653, 21520338, 31554319, 9590290)

Labcorp Genetics (formerly Invitae), Labcorp
Classification: Likely benign. Last evaluated: 2022-11-28. Review status: criteria provided, single submitter. Criteria: Invitae Variant Classification Sherloc (09022015). Collection method: clinical testing. Allele origin: germline.

Laboratory for Molecular Medicine, Mass General Brigham Personalized Medicine
Classification: Uncertain significance. Last evaluated: 2016-12-06. Review status: criteria provided, single submitter. Criteria: LMM Criteria. Collection method: clinical testing. Allele origin: germline. Observed: 2 variant alleles.
Comment: Variant classified as Uncertain Significance - Favor Benign. The p.His989Gln var iant in TECTA has been reported in 1 Japanese family with hearing loss; however, the hearing loss was likely due to a variant in a different gene (Ishikawa 2014 ). This variant has been identified in 0.2% of East Asian chromosomes by the Ex ome Aggregation Consortium (ExAC; dbSNP rs200821 009). Computational prediction tools and conservation analysis suggest that the p.His989Gln variant may impact the protein, though this information is not predi ctive enough to determine pathogenicity. In summary, while the clinical signific ance of the p.His989Gln variant is uncertain, these data suggest that it is more likely to be benign.

Literature cited by the submitters: PubMed 24655070 (cited by Laboratory for Molecular Medicine, Mass General Brigham Personalized Medicine).